The following is an entry in ClinVar:

ClinVar aggregate classification (germline): Uncertain significance (1 of 4 stars; one submission).

Conditions:
Developmental and epileptic encephalopathy, 1 (DEE1). Also called: X-linked infantile spasms; West's syndrome; Tonic spasms with clustering, arrest of psychomotor development and hypsarrhythmia on EEG; X-Linked Infantile Spasm Syndrome; OHTAHARA SYNDROME, X-LINKED; INFANTILE SPASM SYNDROME, X-LINKED 1. Identifiers: MedGen C3463992, MONDO:0010632, OMIM 308350. Disease mechanism: loss of function.
Intellectual disability, X-linked, with or without seizures, ARX-related. Also called: INTELLECTUAL DEVELOPMENTAL DISORDER, X-LINKED 29; MENTAL RETARDATION, X-LINKED 29; MENTAL RETARDATION, X-LINKED 32; MENTAL RETARDATION, X-LINKED 33; MENTAL RETARDATION, X-LINKED 38; MENTAL RETARDATION, X-LINKED 43. Identifiers: Orphanet 777, MedGen C0796244, MONDO:0010317, OMIM 300419.

Submission:

Labcorp Genetics (formerly Invitae), Labcorp
Classification: Uncertain significance for Developmental and epileptic encephalopathy, 1; Intellectual disability, X-linked, with or without seizures, ARX-related. Last evaluated: 2018-04-18. Review status: criteria provided, single submitter. Criteria: Invitae Variant Classification Sherloc (09022015). Collection method: clinical testing. Allele origin: germline.
Comment: Algorithms developed to predict the effect of missense changes on protein structure and function (SIFT, PolyPhen-2, Align-GVGD) all suggest that this variant is likely to be tolerated, but these predictions have not been confirmed by published functional studies and their clinical significance is uncertain. In summary, the available evidence is currently insufficient to determine the role of this variant in disease. Therefore, it has been classified as a Variant of Uncertain Significance. This variant has not been reported in the literature in individuals with ARX-related disease. While this variant is not present in population databases, the frequency information is unreliable, as metrics indicate poor data quality at this position in the ExAC database. This sequence change replaces alanine with proline at codon 256 of the ARX protein (p.Ala256Pro). The alanine residue is weakly conserved and there is a small physicochemical difference between alanine and proline.

NM_139058.3(ARX):c.766G>C (p.Ala256Pro)

Gene: ARX (aristaless related homeobox; minus strand). Cytogenetic location: Xp21.3.
Variant type: single nucleotide variant.
Coding change: c.766G>C on transcript NM_139058.3 (MANE Select); coding-DNA position 766, G replaced by C.
Protein change: p.Ala256Pro; replaces alanine 256 with proline.
Molecular consequence: missense variant.
Genome position (GRCh38, 1-based): chrX:25,013,229, C>G on the plus strand (G>C on the coding strand, the complement: ARX is on the minus strand). VCF-style: chrX-25013229-C-G. GRCh37 (hg19) VCF-style: chrX-25031346-C-G.
Other names: short protein forms A256P.
Identifiers: ClinVar variation 576797 (VCV000576797.9), dbSNP rs769056463, ClinGen allele CA412612466.